The following is an entry in ClinVar:

NM_002734.5(PRKAR1A):c.1083A>G (p.Pro361=)

Gene: PRKAR1A (protein kinase cAMP-dependent type I regulatory subunit alpha; plus strand). Cytogenetic location: 17q24.2.
Variant type: single nucleotide variant.
Coding change: c.1083A>G on transcript NM_002734.5 (MANE Select); coding-DNA position 1083, A replaced by G.
Protein change: p.Pro361=; no amino-acid change (proline 361 retained).
Molecular consequence: synonymous variant. On other transcripts: intron variant (1).
Genome position (GRCh38, 1-based): chr17:68,530,386, A>G. VCF-style: chr17-68530386-A-G. GRCh37 (hg19) VCF-style: chr17-66526527-A-G.
Other names: c.1083A>G, p.Pro361= (NM_001276289.2, NM_001278433.2, NM_001369389.1 and 3 more transcripts); c.973+385A>G (NM_001276290.1).
Identifiers: ClinVar variation 703605 (VCV000703605.35), dbSNP rs766529889, ClinGen allele CA8729463.

ClinVar aggregate classification (germline): Likely benign. Review status: criteria provided, multiple submitters, no conflicts (2 of 4 stars). 3 submissions from 3 submitters: Likely benign (3). Last evaluated 2026-01-11.

Conditions:
Hereditary cancer-predisposing syndrome. Also called: Neoplastic Syndromes, Hereditary; Tumor predisposition; Hereditary Cancer Syndrome; Hereditary neoplastic syndrome. Identifiers: Orphanet 140162, MedGen C0027672, MeSH D009386, MONDO:0015356.
Carney complex, type 1 (CNC1). Also called: CARNEY MYXOMA-ENDOCRINE COMPLEX; CARNEY COMPLEX, TYPE I. Identifiers: Orphanet 1359, MedGen C2607929, MONDO:0008057, OMIM 160980.

Allele frequency attached by ClinVar (database versions not stated): gnomAD exomes 0.00003 and 0.00001; ExAC 0.00004; gnomAD 0.00001.
gnomAD v4.1: 9 of 1,614,022 alleles (0.00056%); highest among the groups gnomAD compares: Middle Eastern, 0.016%; no homozygotes.

Submissions (3):

Labcorp Genetics (formerly Invitae), Labcorp
Classification: Likely benign for Carney complex, type 1. Last evaluated: 2026-01-11. Review status: criteria provided, single submitter. Criteria: Invitae Variant Classification Sherloc (09022015). Collection method: clinical testing. Allele origin: germline.

CeGaT Center for Human Genetics Tuebingen
Classification: Likely benign. Last evaluated: 2025-10-01. Review status: criteria provided, single submitter. Criteria: CeGaT Center For Human Genetics Tuebingen Variant Classification Criteria Version 2. Collection method: clinical testing. Allele origin: germline. Affected: yes. Observed: 3 variant alleles.
Comment: PRKAR1A: BP4, BP7

Ambry Genetics
Classification: Likely benign for Hereditary cancer-predisposing syndrome. Last evaluated: 2019-10-26. Review status: criteria provided, single submitter. Criteria: Ambry Variant Classification Scheme 2023. Collection method: clinical testing. Allele origin: germline.